The following is an entry in ClinVar:

NM_014991.6(WDFY3):c.3583C>A (p.His1195Asn)

Gene: WDFY3 (WD repeat and FYVE domain containing 3; minus strand). Cytogenetic location: 4q21.23.
Variant type: single nucleotide variant.
Coding change: c.3583C>A on transcript NM_014991.6 (MANE Select); coding-DNA position 3583, C replaced by A.
Protein change: p.His1195Asn; replaces histidine 1195 with asparagine.
Molecular consequence: missense variant.
Genome position (GRCh38, 1-based): chr4:84,789,812, G>T on the plus strand (C>A on the coding strand, the complement: WDFY3 is on the minus strand). VCF-style: chr4-84789812-G-T. GRCh37 (hg19) VCF-style: chr4-85710965-G-T.
Other names: short protein forms H1195N.
Identifiers: ClinVar variation 1806734 (VCV001806734.1), dbSNP rs2533590708, ClinGen allele CA357558593.

ClinVar aggregate classification (germline): Uncertain significance (1 of 4 stars; one submission).

Submission:

GeneDx
Classification: Uncertain significance. Last evaluated: 2022-06-20. Review status: criteria provided, single submitter. Criteria: GeneDx Variant Classification Process June 2021. Collection method: clinical testing. Allele origin: germline. Affected: yes.
Comment: Not observed at significant frequency in large population cohorts (gnomAD); In silico analysis supports that this missense variant has a deleterious effect on protein structure/function; Has not been previously published as pathogenic or benign to our knowledge